The following is an entry in ClinVar:

ClinVar aggregate classification (germline): Uncertain significance (1 of 4 stars; one submission).

Conditions:
Catecholaminergic polymorphic ventricular tachycardia (CVPT). Also called: Catecholamine-induced polymorphic ventricular tachycardia. Identifiers: Orphanet 3286, MedGen C5574922, MONDO:0017990.

Submission:

All of Us Research Program, National Institutes of Health
Classification: Uncertain significance for Catecholaminergic polymorphic ventricular tachycardia. Last evaluated: 2023-05-04. Review status: criteria provided, single submitter. Criteria: ACMG Guidelines, 2015. Collection method: clinical testing. Allele origin: germline. Inheritance: Autosomal dominant inheritance. Observed: 1 variant allele, 1 heterozygote.
Comment: This missense variant replaces arginine with glycine at codon 1051 of the RYR2 protein. Computational prediction suggests that this variant may have deleterious impact on protein structure and function (internally defined REVEL score threshold >= 0.7, PMID: 27666373). To our knowledge, functional studies have not been reported for this variant. This variant has not been reported in individuals affected with RYR2-related disorders in the literature. This variant has not been identified in the general population by the Genome Aggregation Database (gnomAD). The available evidence is insufficient to determine the role of this variant in disease conclusively. Therefore, this variant is classified as a Variant of Uncertain Significance.

This study involves interpretation of variants in research participants for the purpose of population health screening. Participant phenotype was not available at the time of variant classification. Additional details can be found in publication PMID: 35346344, PMCID: PMC8962531

NM_001035.3(RYR2):c.3151C>G (p.Arg1051Gly)

Gene: RYR2 (ryanodine receptor 2; plus strand). Cytogenetic location: 1q43.
Variant type: single nucleotide variant.
Coding change: c.3151C>G on transcript NM_001035.3 (MANE Select); coding-DNA position 3151, C replaced by G.
Protein change: p.Arg1051Gly; replaces arginine 1051 with glycine.
Molecular consequence: missense variant.
Genome position (GRCh38, 1-based): chr1:237,550,628, C>G. VCF-style: chr1-237550628-C-G. GRCh37 (hg19) VCF-style: chr1-237713928-C-G.
Other names: short protein forms R1051G.
Identifiers: ClinVar variation 3070716 (VCV003070716.1), dbSNP rs533330664, ClinGen allele CA071155.